The following is an entry in ClinVar:

ClinVar aggregate classification (germline): Conflicting classifications of pathogenicity. Review status: criteria provided, conflicting classifications (1 of 4 stars). 8 submissions from 8 submitters: Uncertain significance (2); Likely benign (5). 1 of the submissions does not count toward it. Last evaluated 2025-12-22.

Conditions:
TSC1-related disorder. Also called: TSC1-related condition.
Hereditary cancer-predisposing syndrome. Also called: Neoplastic Syndromes, Hereditary; Hereditary neoplastic syndrome; Tumor predisposition; Hereditary Cancer Syndrome. Identifiers: Orphanet 140162, MedGen C0027672, MeSH D009386, MONDO:0015356.
Tuberous sclerosis syndrome (TSC). Also called: Tuberous Sclerosis Complex; Tuberous sclerosis. Identifiers: Orphanet 805, MedGen C0041341, MONDO:0001734.
Tuberous sclerosis 1 (TSC1). Identifiers: Orphanet 805, MedGen C1854465, MONDO:0008612, OMIM 191100.

Allele frequency attached by ClinVar (database versions not stated): gnomAD exomes 0.00001; gnomAD 0.00004 and 0.00005; TOPMed 0.00006.
gnomAD v4.1: 26 of 1,614,062 alleles (0.0016%); highest among the groups gnomAD compares: East Asian, 0.016%; no homozygotes.

Submissions (8):

Labcorp Genetics (formerly Invitae), Labcorp
Classification: Likely benign for Tuberous sclerosis 1. Last evaluated: 2025-12-22. Review status: criteria provided, single submitter. Criteria: Invitae Variant Classification Sherloc (09022015). Collection method: clinical testing. Allele origin: germline.

Color Diagnostics, LLC DBA Color Health
Classification: Uncertain significance for Tuberous sclerosis syndrome. Last evaluated: 2025-07-18. Review status: criteria provided, single submitter. Criteria: ACMG Guidelines, 2015. Collection method: clinical testing. Allele origin: germline.
Comment: This missense variant replaces valine with methionine at codon 25 of the TSC1 protein. Computational prediction suggests that this variant may not impact protein structure and function. To our knowledge, functional studies have not been reported for this variant. This variant has not been reported in individuals affected with TSC1-related disorders in the literature. This variant has not been identified in the general population by the Genome Aggregation Database (gnomAD). The available evidence is insufficient to determine the role of this variant in disease conclusively. Therefore, this variant is classified as a Variant of Uncertain Significance.

Myriad Genetics, Inc.
Classification: Likely benign for Tuberous sclerosis 1. Last evaluated: 2024-05-16. Review status: criteria provided, single submitter. Criteria: Myriad Autosomal Dominant, Autosomal Recessive and X-Linked Classification Criteria (2023). Collection method: clinical testing. Allele origin: unknown.
Comment: This variant is considered likely benign. Homozygosity has been confirmed in one or more individuals. As homozygosity for pathogenic variants in this gene is generally assumed to result in embryonic lethality, this variant is unlikely to be pathogenic.

All of Us Research Program, National Institutes of Health
Classification: Uncertain significance for Tuberous sclerosis syndrome. Last evaluated: 2024-04-16. Review status: criteria provided, single submitter. Criteria: ACMG Guidelines, 2015. Collection method: clinical testing. Allele origin: germline. Inheritance: Autosomal dominant inheritance. Observed: 10 variant alleles, 10 heterozygotes.
Comment: This missense variant replaces valine with methionine at codon 25 of the TSC1 protein. Computational prediction suggests that this variant may not impact protein structure and function (internally defined REVEL score threshold <= 0.5, PMID: 27666373). To our knowledge, functional studies have not been reported for this variant. This variant has not been reported in individuals affected with TSC1-related disorders in the literature. This variant has not been identified in the general population by the Genome Aggregation Database (gnomAD). The available evidence is insufficient to determine the role of this variant in disease conclusively. Therefore, this variant is classified as a Variant of Uncertain Significance.

This study involves interpretation of variants in research participants for the purpose of population health screening. Participant phenotype was not available at the time of variant classification. Additional details can be found in publication PMID: 35346344, PMCID: PMC8962531

Ambry Genetics
Classification: Likely benign for Hereditary cancer-predisposing syndrome. Last evaluated: 2023-06-13. Review status: criteria provided, single submitter. Criteria: Ambry Variant Classification Scheme 2023. Collection method: clinical testing. Allele origin: germline.

Genome-Nilou Lab
Classification: Likely benign for Tuberous sclerosis 1. Last evaluated: 2021-11-07. Review status: criteria provided, single submitter. Criteria: ACMG Guidelines, 2015. Collection method: clinical testing. Allele origin: germline. Affected: no.

GeneDx
Classification: Likely benign. Last evaluated: 2021-05-06. Review status: criteria provided, single submitter. Criteria: GeneDx Variant Classification Process June 2021. Collection method: clinical testing. Allele origin: germline. Affected: yes.
Comment: This variant is associated with the following publications: (PMID: 30788456, 29636988, 31309300, 21520333)

PreventionGenetics, part of Exact Sciences
Classification: Likely benign for TSC1-related condition. Last evaluated: 2024-05-08. Review status: no assertion criteria provided. Collection method: clinical testing. Allele origin: germline. Not counted in ClinVar's aggregate classification.
Comment: This variant is classified as likely benign based on ACMG/AMP sequence variant interpretation guidelines (Richards et al. 2015 PMID: 25741868, with internal and published modifications).

NM_000368.5(TSC1):c.73G>A (p.Val25Met)

Gene: TSC1 (TSC complex subunit 1; minus strand). Cytogenetic location: 9q34.13.
Variant type: single nucleotide variant.
Coding change: c.73G>A on transcript NM_000368.5 (MANE Select); coding-DNA position 73, G replaced by A.
Protein change: p.Val25Met; replaces valine 25 with methionine.
Molecular consequence: missense variant. On other transcripts: 5 prime UTR variant (1).
Genome position (GRCh38, 1-based): chr9:132,928,800, C>T on the plus strand (G>A on the coding strand, the complement: TSC1 is on the minus strand). VCF-style: chr9-132928800-C-T. GRCh37 (hg19) VCF-style: chr9-135804187-C-T.
Other names: c.73G>A, p.Val25Met (NM_001162426.2, NM_001162427.2); c.-187G>A (NM_001362177.2); short protein forms V25M.
Identifiers: ClinVar variation 534438 (VCV000534438.24), dbSNP rs1230244328, ClinGen allele CA375375324.